The following is an entry in ClinVar:

NM_058004.4(PI4KA):c.5924-3C>T

Gene: PI4KA (phosphatidylinositol 4-kinase alpha; minus strand). Cytogenetic location: 22q11.21.
Variant type: single nucleotide variant.
Coding change: c.5924-3C>T on transcript NM_058004.4 (MANE Select); 3 bases into the intron before coding-DNA position 5924, C replaced by T.
Molecular consequence: intron variant.
Genome position (GRCh38, 1-based): chr22:20,710,861, G>A on the plus strand (C>T on the coding strand, the complement: PI4KA is on the minus strand). VCF-style: chr22-20710861-G-A. GRCh37 (hg19) VCF-style: chr22-21065149-G-A.
Other names: c.5858-3C>T (NM_001362863.2); c.5831-3C>T (NM_001362862.2).
Identifiers: ClinVar variation 5019245 (VCV005019245.2).

ClinVar aggregate classification (germline): Uncertain significance (1 of 4 stars; one submission).

Conditions:
Gastrointestinal defects and immunodeficiency syndrome 2 (GIDID2). Also called: MULTIPLE INTESTINAL ATRESIA WITH OR WITHOUT LEUKOPENIA. Identifiers: MedGen C5676901, MONDO:0030669, OMIM 619708.
Spastic paraplegia 84, autosomal recessive (SPG84). Identifiers: Orphanet 631079, MedGen C5562025, MONDO:0030482, OMIM 619621.
Polymicrogyria, perisylvian, with cerebellar hypoplasia and arthrogryposis (NEDSPLB). Identifiers: MedGen C4225295, MONDO:0014679, OMIM 616531.

Submission:

Juno Genomics, Hangzhou Juno Genomics, Inc
Classification: Uncertain significance for Spastic paraplegia 84, autosomal recessive; Gastrointestinal defects and immunodeficiency syndrome 2; Polymicrogyria, perisylvian, with cerebellar hypoplasia and arthrogryposis. Review status: criteria provided, single submitter. Criteria: ACMG Guidelines, 2015. Collection method: clinical testing. Allele origin: germline.
Comment: Absent from controls (or at extremely low frequency if recessive) in Genome Aggregation Database.;Multiple lines of computational evidence support a deleterious effect on the gene or gene product.